The following is an entry in ClinVar:

NM_000214.3(JAG1):c.862T>G (p.Trp288Gly)

Gene: JAG1 (jagged canonical Notch ligand 1; minus strand). Cytogenetic location: 20p12.2.
Variant type: single nucleotide variant.
Coding change: c.862T>G on transcript NM_000214.3 (MANE Select); coding-DNA position 862, T replaced by G.
Protein change: p.Trp288Gly; replaces tryptophan 288 with glycine.
Molecular consequence: missense variant.
Genome position (GRCh38, 1-based): chr20:10,652,492, A>C on the plus strand (T>G on the coding strand, the complement: JAG1 is on the minus strand). VCF-style: chr20-10652492-A-C. GRCh37 (hg19) VCF-style: chr20-10633140-A-C.
Other names: short protein forms W288G.
Identifiers: ClinVar variation 3573155 (VCV003573155.2).

Conditions:
Arteriohepatic dysplasia. Also called: Alagille Syndrome. Identifiers: Orphanet 52, MedGen C0085280, MeSH D016738, MONDO:0007318.

Submission:

Gilbert/Spinner Lab, Children's Hospital of Philadelphia
No classification provided (evidence only). Condition: Alagille syndrome. Review status: no classification provided. Collection method: research. Allele origin: not applicable. Functional consequence: functionally_abnormal.
ClinVar note: "not provided" was previously submitted as the classification for the variant. However, the classification appeared to be based only on an observation of functional data so it was converted to no classification on 2025-07-30.